The following is an entry in ClinVar:

NM_016180.5(SLC45A2):c.855G>T (p.Met285Ile)

Gene: SLC45A2 (solute carrier family 45 member 2; minus strand). Cytogenetic location: 5p13.2.
Variant type: single nucleotide variant.
Coding change: c.855G>T on transcript NM_016180.5 (MANE Select); coding-DNA position 855, G replaced by T.
Protein change: p.Met285Ile; replaces methionine 285 with isoleucine.
Molecular consequence: missense variant. On other transcripts: intron variant (1).
Genome position (GRCh38, 1-based): chr5:33,963,724, C>A on the plus strand (G>T on the coding strand, the complement: SLC45A2 is on the minus strand). VCF-style: chr5-33963724-C-A. GRCh37 (hg19) VCF-style: chr5-33963829-C-A.
Other names: c.855G>T, p.Met285Ile (NM_001012509.4); c.563-9220G>T (NM_001297417.4); short protein forms M285I.
Identifiers: ClinVar variation 1369573 (VCV001369573.6), dbSNP rs756574797, ClinGen allele CA3225682.

ClinVar aggregate classification (germline): Uncertain significance (1 of 4 stars; one submission).

gnomAD v4.1: 5 of 1,614,120 alleles (0.00031%); highest among the groups gnomAD compares: South Asian, 0.0033%; no homozygotes.

Submission:

Labcorp Genetics (formerly Invitae), Labcorp
Classification: Uncertain significance. Last evaluated: 2025-03-17. Review status: criteria provided, single submitter. Criteria: Invitae Variant Classification Sherloc (09022015). Collection method: clinical testing. Allele origin: germline.
Comment: This sequence change replaces methionine, which is neutral and non-polar, with isoleucine, which is neutral and non-polar, at codon 285 of the SLC45A2 protein (p.Met285Ile). This variant is present in population databases (rs756574797, gnomAD 0.003%). This variant has not been reported in the literature in individuals affected with SLC45A2-related conditions. ClinVar contains an entry for this variant (Variation ID: 1369573). An algorithm developed to predict the effect of missense changes on protein structure and function (PolyPhen-2) suggests that this variant is likely to be tolerated. In summary, the available evidence is currently insufficient to determine the role of this variant in disease. Therefore, it has been classified as a Variant of Uncertain Significance.